The following is an entry in ClinVar:

ClinVar aggregate classification (germline): Uncertain significance (1 of 4 stars; one submission).

gnomAD v4.1: 3 of 1,613,682 alleles (0.00019%); highest among the groups gnomAD compares: Non-Finnish European, 0.00025%; no homozygotes.

Submission:

Labcorp Genetics (formerly Invitae), Labcorp
Classification: Uncertain significance. Last evaluated: 2025-04-18. Review status: criteria provided, single submitter. Criteria: Invitae Variant Classification Sherloc (09022015). Collection method: clinical testing. Allele origin: germline.
Comment: This sequence change replaces glutamine, which is neutral and polar, with histidine, which is basic and polar, at codon 1057 of the IMPG2 protein (p.Gln1057His). This variant is not present in population databases (gnomAD no frequency). This variant has not been reported in the literature in individuals affected with IMPG2-related conditions. Invitae Evidence Modeling of protein sequence and biophysical properties (such as structural, functional, and spatial information, amino acid conservation, physicochemical variation, residue mobility, and thermodynamic stability) indicates that this missense variant is expected to disrupt IMPG2 protein function with a positive predictive value of 80%. In summary, the available evidence is currently insufficient to determine the role of this variant in disease. Therefore, it has been classified as a Variant of Uncertain Significance.

NM_016247.4(IMPG2):c.3171G>C (p.Gln1057His)

Gene: IMPG2 (interphotoreceptor matrix proteoglycan 2; minus strand). Cytogenetic location: 3q12.3.
Variant type: single nucleotide variant.
Coding change: c.3171G>C on transcript NM_016247.4 (MANE Select); coding-DNA position 3171, G replaced by C.
Protein change: p.Gln1057His; replaces glutamine 1057 with histidine.
Molecular consequence: missense variant.
Genome position (GRCh38, 1-based): chr3:101,232,843, C>G on the plus strand (G>C on the coding strand, the complement: IMPG2 is on the minus strand). VCF-style: chr3-101232843-C-G. GRCh37 (hg19) VCF-style: chr3-100951687-C-G.
Other names: short protein forms Q1057H.
Identifiers: ClinVar variation 4743066 (VCV004743066.1).